The following is an entry in ClinVar:

ClinVar aggregate classification (germline): Uncertain significance (1 of 4 stars; one submission).

Conditions:
Inborn genetic diseases. Identifiers: MedGen C0950123, MeSH D030342.

Submission:

Ambry Genetics
Classification: Uncertain significance for Inborn genetic diseases. Last evaluated: 2026-03-17. Review status: criteria provided, single submitter. Criteria: Ambry Variant Classification Scheme 2023. Collection method: clinical testing. Allele origin: germline.
Comment: The p.V904A variant (also known as c.2711T>C), located in coding exon 1 of the SAMD9L gene, results from a T to C substitution at nucleotide position 2711. The valine at codon 904 is replaced by alanine, an amino acid with similar properties. This amino acid position is conserved. In addition, the in silico prediction for this alteration is inconclusive. Based on the available evidence, the clinical significance of this variant remains unclear.

NM_152703.5(SAMD9L):c.2711T>C (p.Val904Ala)

Gene: SAMD9L (sterile alpha motif domain containing 9 like; minus strand). Cytogenetic location: 7q21.2.
Variant type: single nucleotide variant.
Coding change: c.2711T>C on transcript NM_152703.5 (MANE Select); coding-DNA position 2711, T replaced by C.
Protein change: p.Val904Ala; replaces valine 904 with alanine.
Molecular consequence: missense variant.
Genome position (GRCh38, 1-based): chr7:93,133,261, A>G on the plus strand (T>C on the coding strand, the complement: SAMD9L is on the minus strand). VCF-style: chr7-93133261-A-G. GRCh37 (hg19) VCF-style: chr7-92762574-A-G.
Other names: c.2711T>C, p.Val904Ala (NM_001303496.3, NM_001303497.3, NM_001303498.3 and 5 more transcripts); short protein forms V904A.
Identifiers: ClinVar variation 4863899 (VCV004863899.1).